The following is an entry in ClinVar:

NM_001040142.2(SCN2A):c.5660A>C (p.Asn1887Thr)

Gene: SCN2A (sodium voltage-gated channel alpha subunit 2; plus strand). Cytogenetic location: 2q24.3.
Variant type: single nucleotide variant.
Coding change: c.5660A>C on transcript NM_001040142.2 (MANE Select); coding-DNA position 5660, A replaced by C.
Protein change: p.Asn1887Thr; replaces asparagine 1887 with threonine.
Molecular consequence: missense variant.
Genome position (GRCh38, 1-based): chr2:165,389,466, A>C. VCF-style: chr2-165389466-A-C. GRCh37 (hg19) VCF-style: chr2-166245976-A-C.
Other names: c.5660A>C, p.Asn1887Thr (NM_001040143.2, NM_001371246.1, NM_001371247.1 and 1 more transcripts); short protein forms N1887T.
Identifiers: ClinVar variation 1493392 (VCV001493392.6), dbSNP rs2105403619, ClinGen allele CA349039690.
Genomic context (GRCh38, chr2:165,389,466, plus strand): 5'-GTGAGAGTGGAGAGATGGATGCCCTTCGAATACAGATGGAAGAGCGATTCATGGCATCAA[A>C]CCCCTCCAAAGTCTCTTATGAGCCCATTACGACCACGTTGAAACGCAAACAAGAGGAGGT-3'
Protein context (NP_001035232.1, residues 1877-1897): IQMEERFMAS[Asn1887Thr]PSKVSYEPIT

ClinVar aggregate classification (germline): Pathogenic (1 of 4 stars; one submission).

Conditions:
Developmental and epileptic encephalopathy, 11 (DEE11). Also called: Early infantile epileptic encephalopathy 11. Identifiers: Orphanet 1934, MedGen C3150987, MONDO:0013388, OMIM 613721.
Seizures, benign familial infantile, 3 (BFIS3). Also called: CONVULSIONS, BENIGN FAMILIAL INFANTILE, 3; Familial neonatal seizures. Identifiers: Orphanet 140927, Orphanet 306, MedGen C1843140, MONDO:0011904, OMIM 607745.

Submission:

Labcorp Genetics (formerly Invitae), Labcorp
Classification: Pathogenic for Seizures, benign familial infantile, 3; Developmental and epileptic encephalopathy, 11. Last evaluated: 2024-11-05. Review status: criteria provided, single submitter. Criteria: Invitae Variant Classification Sherloc (09022015). Collection method: clinical testing. Allele origin: germline.
Comment: This sequence change replaces asparagine, which is neutral and polar, with threonine, which is neutral and polar, at codon 1887 of the SCN2A protein (p.Asn1887Thr). This variant is not present in population databases (gnomAD no frequency). This missense change has been observed in individual(s) with clinical features of early infantile epileptic encephalopathy (internal data). In at least one individual the variant was observed to be de novo. ClinVar contains an entry for this variant (Variation ID: 1493392). Invitae Evidence Modeling of protein sequence and biophysical properties (such as structural, functional, and spatial information, amino acid conservation, physicochemical variation, residue mobility, and thermodynamic stability) indicates that this missense variant is expected to disrupt SCN2A protein function with a positive predictive value of 95%. For these reasons, this variant has been classified as Pathogenic.